The following is an entry in ClinVar:

ClinVar aggregate classification (germline): Uncertain significance (1 of 4 stars; one submission).

Allele frequency attached by ClinVar (database versions not stated): gnomAD 0.00001; gnomAD exomes 0.00001 and 0.00002.
gnomAD v4.1: 6 of 1,612,490 alleles (0.00037%); highest among the groups gnomAD compares: Admixed American, 0.0067%; no homozygotes.

Submission:

Labcorp Genetics (formerly Invitae), Labcorp
Classification: Uncertain significance. Last evaluated: 2022-06-27. Review status: criteria provided, single submitter. Criteria: Invitae Variant Classification Sherloc (09022015). Collection method: clinical testing. Allele origin: germline.
Comment: In summary, the available evidence is currently insufficient to determine the role of this variant in disease. Therefore, it has been classified as a Variant of Uncertain Significance. This sequence change replaces arginine, which is basic and polar, with lysine, which is basic and polar, at codon 949 of the MCM3AP protein (p.Arg949Lys). This variant is present in population databases (no rsID available, gnomAD 0.01%). This variant has not been reported in the literature in individuals affected with MCM3AP-related conditions. Algorithms developed to predict the effect of missense changes on protein structure and function output the following: SIFT: "Tolerated"; PolyPhen-2: "Benign"; Align-GVGD: "Class C0". The lysine amino acid residue is found in multiple mammalian species, which suggests that this missense change does not adversely affect protein function.

NM_003906.5(MCM3AP):c.2846G>A (p.Arg949Lys)

Gene: MCM3AP (minichromosome maintenance complex component 3 associated protein; minus strand). Cytogenetic location: 21q22.3.
Variant type: single nucleotide variant.
Coding change: c.2846G>A on transcript NM_003906.5 (MANE Select); coding-DNA position 2846, G replaced by A.
Protein change: p.Arg949Lys; replaces arginine 949 with lysine.
Molecular consequence: missense variant.
Genome position (GRCh38, 1-based): chr21:46,266,110, C>T on the plus strand (G>A on the coding strand, the complement: MCM3AP is on the minus strand). VCF-style: chr21-46266110-C-T. GRCh37 (hg19) VCF-style: chr21-47686024-C-T.
Other names: short protein forms R949K.
Identifiers: ClinVar variation 1381053 (VCV001381053.5), dbSNP rs1009500608, ClinGen allele CA321986207.